The following is an entry in ClinVar:

ClinVar aggregate classification (germline): Uncertain significance. Review status: criteria provided, multiple submitters, no conflicts (2 of 4 stars). 4 submissions from 4 submitters: Uncertain significance (3). 1 of the submissions does not count toward it. Last evaluated 2024-03-05.

Conditions:
ATM-related disorder. Also called: ATM-related disorders; ATM-related condition.
Hereditary cancer-predisposing syndrome. Also called: Hereditary neoplastic syndrome; Tumor predisposition; Hereditary Cancer Syndrome; Neoplastic Syndromes, Hereditary. Identifiers: Orphanet 140162, MedGen C0027672, MeSH D009386, MONDO:0015356.
Familial cancer of breast. Also called: hereditary breast carcinoma; BREAST CANCER, FAMILIAL; Hereditary breast cancer. Identifiers: Orphanet 227535, MedGen C0346153, MONDO:0016419, OMIM 114480. Disease mechanism: loss of function.
Ataxia-telangiectasia syndrome (AT). Also called: Cerebello-oculocutaneous telangiectasia; Immunodeficiency with ataxia telangiectasia; Ataxia telangiectasia (A-T); Ataxia-telangiectasia, complementation group E; LOUIS-BAR SYNDROME; Ataxia-telangiectasia. Identifiers: Orphanet 100, MedGen C0004135, MONDO:0008840, OMIM 208900.

Submissions (4):

Baylor Genetics
Classification: Uncertain significance for Familial cancer of breast. Last evaluated: 2024-03-05. Review status: criteria provided, single submitter. Criteria: ACMG Guidelines, 2015. Collection method: clinical testing. Allele origin: unknown.

Labcorp Genetics (formerly Invitae), Labcorp
Classification: Uncertain significance for Ataxia-telangiectasia syndrome. Last evaluated: 2023-11-24. Review status: criteria provided, single submitter. Criteria: Invitae Variant Classification Sherloc (09022015). Collection method: clinical testing. Allele origin: germline.
Comment: This sequence change replaces leucine, which is neutral and non-polar, with tryptophan, which is neutral and slightly polar, at codon 55 of the ATM protein (p.Leu55Trp). This variant is not present in population databases (gnomAD no frequency). This variant has not been reported in the literature in individuals affected with ATM-related conditions. ClinVar contains an entry for this variant (Variation ID: 575605). Advanced modeling of protein sequence and biophysical properties (such as structural, functional, and spatial information, amino acid conservation, physicochemical variation, residue mobility, and thermodynamic stability) performed at Invitae indicates that this missense variant is not expected to disrupt ATM protein function with a negative predictive value of 95%. In summary, the available evidence is currently insufficient to determine the role of this variant in disease. Therefore, it has been classified as a Variant of Uncertain Significance.

Ambry Genetics
Classification: Uncertain significance for Hereditary cancer-predisposing syndrome. Last evaluated: 2022-06-24. Review status: criteria provided, single submitter. Criteria: Ambry Variant Classification Scheme 2023. Collection method: clinical testing. Allele origin: germline.
Comment: The p.L55W variant (also known as c.164T>G), located in coding exon 2 of the ATM gene, results from a T to G substitution at nucleotide position 164. The leucine at codon 55 is replaced by tryptophan, an amino acid with similar properties. This amino acid position is conserved. In addition, the in silico prediction for this alteration is inconclusive. Since supporting evidence is limited at this time, the clinical significance of this alteration remains unclear.

PreventionGenetics, part of Exact Sciences
Classification: Uncertain significance for ATM-related condition. Last evaluated: 2024-08-27. Review status: no assertion criteria provided. Collection method: clinical testing. Allele origin: germline. Not counted in ClinVar's aggregate classification.
Comment: The ATM c.164T>G variant is predicted to result in the amino acid substitution p.Leu55Trp. To our knowledge, this variant has not been reported in the literature or in a large population database, indicating this variant is rare. This variant is interpreted as uncertain in ClinVar. At this time, the clinical significance of this variant is uncertain due to the absence of conclusive functional and genetic evidence.

NM_000051.4(ATM):c.164T>G (p.Leu55Trp)

Gene: ATM (ATM serine/threonine kinase; plus strand). Cytogenetic location: 11q22.3.
Variant type: single nucleotide variant.
Coding change: c.164T>G on transcript NM_000051.4 (MANE Select); coding-DNA position 164, T replaced by G.
Protein change: p.Leu55Trp; replaces leucine 55 with tryptophan.
Molecular consequence: missense variant.
Genome position (GRCh38, 1-based): chr11:108,227,867, T>G. VCF-style: chr11-108227867-T-G. GRCh37 (hg19) VCF-style: chr11-108098594-T-G.
Other names: c.164T>G, p.Leu55Trp (NM_001351834.2, NM_001351835.2, NM_001351836.2); short protein forms L55W.
Identifiers: ClinVar variation 575605 (VCV000575605.12), dbSNP rs1565344888, ClinGen allele CA382520464.